The following is an entry in ClinVar:

ClinVar aggregate classification (germline): Uncertain significance (1 of 4 stars; one submission).

Conditions:
Distal myopathy with posterior leg and anterior hand involvement. Also called: WILLIAMS DISTAL MYOPATHY. Identifiers: Orphanet 63273, MedGen C3279722, MONDO:0013550, OMIM 614065.
Hypertrophic cardiomyopathy 26. Also called: Cardiomyopathy, familial hypertrophic, 26. Identifiers: Orphanet 75249, MedGen C4310749, MONDO:0014883, OMIM 617047.
Myofibrillar myopathy 5. Also called: Filaminopathy (type); FILAMINOPATHY, AUTOSOMAL DOMINANT. Identifiers: Orphanet 171445, MedGen C1836050, MONDO:0012289, OMIM 609524.

Submission:

Labcorp Genetics (formerly Invitae), Labcorp
Classification: Uncertain significance for Distal myopathy with posterior leg and anterior hand involvement; Myofibrillar myopathy 5; Hypertrophic cardiomyopathy 26. Last evaluated: 2025-11-09. Review status: criteria provided, single submitter. Criteria: Invitae Variant Classification Sherloc (09022015). Collection method: clinical testing. Allele origin: germline.
Comment: This sequence change replaces valine, which is neutral and non-polar, with alanine, which is neutral and non-polar, at codon 593 of the FLNC protein (p.Val593Ala). This variant is not present in population databases (gnomAD no frequency). This variant has not been reported in the literature in individuals affected with FLNC-related conditions. ClinVar contains an entry for this variant (Variation ID: 3757519). Invitae Evidence Modeling of protein sequence and biophysical properties (such as structural, functional, and spatial information, amino acid conservation, physicochemical variation, residue mobility, and thermodynamic stability) has been performed for this missense variant. However, the output from this modeling did not meet the statistical confidence thresholds required to predict the impact of this variant on FLNC protein function. In summary, the available evidence is currently insufficient to determine the role of this variant in disease. Therefore, it has been classified as a Variant of Uncertain Significance.

NM_001458.5(FLNC):c.1778T>C (p.Val593Ala)

Gene: FLNC (filamin C; plus strand). Cytogenetic location: 7q32.1.
Variant type: single nucleotide variant.
Coding change: c.1778T>C on transcript NM_001458.5 (MANE Select); coding-DNA position 1778, T replaced by C.
Protein change: p.Val593Ala; replaces valine 593 with alanine.
Molecular consequence: missense variant.
Genome position (GRCh38, 1-based): chr7:128,840,935, T>C. VCF-style: chr7-128840935-T-C. GRCh37 (hg19) VCF-style: chr7-128480989-T-C.
Other names: c.1778T>C, p.Val593Ala (NM_001127487.2); short protein forms V593A.
Identifiers: ClinVar variation 3757519 (VCV003757519.2).